The following is an entry in ClinVar:

ClinVar aggregate classification (germline): Uncertain significance (1 of 4 stars; one submission).

Conditions:
Generalized epilepsy with febrile seizures plus, type 7 (GEFSP7). Also called: GEFS+, TYPE 7. Identifiers: Orphanet 36387, MedGen C2751778, MONDO:0013470, OMIM 613863.
Neuropathy, hereditary sensory and autonomic, type 2A (HSAN2A). Also called: MORVAN DISEASE; NEUROPATHY, CONGENITAL SENSORY; NEUROPATHY, HEREDITARY SENSORY RADICULAR, AUTOSOMAL RECESSIVE; NEUROPATHY, HEREDITARY SENSORY, TYPE IIA; NEUROPATHY, PROGRESSIVE SENSORY, OF CHILDREN; WNK1-Related HSAN2 (HSAN2A). Identifiers: Orphanet 970, MedGen C2752089, MONDO:0024309, OMIM 201300.

Submission:

Labcorp Genetics (formerly Invitae), Labcorp
Classification: Uncertain significance for Neuropathy, hereditary sensory and autonomic, type 2A; Generalized epilepsy with febrile seizures plus, type 7. Last evaluated: 2025-12-13. Review status: criteria provided, single submitter. Criteria: Invitae Variant Classification Sherloc (09022015). Collection method: clinical testing. Allele origin: germline.
Comment: This sequence change replaces leucine, which is neutral and non-polar, with phenylalanine, which is neutral and non-polar, at codon 1802 of the SCN9A protein (p.Leu1802Phe). This variant is not present in population databases (gnomAD no frequency). This variant has not been reported in the literature in individuals affected with SCN9A-related conditions. ClinVar contains an entry for this variant (Variation ID: 573640). Invitae Evidence Modeling of protein sequence and biophysical properties (such as structural, functional, and spatial information, amino acid conservation, physicochemical variation, residue mobility, and thermodynamic stability) indicates that this missense variant is not expected to disrupt SCN9A protein function with a negative predictive value of 80%. In summary, the available evidence is currently insufficient to determine the role of this variant in disease. Therefore, it has been classified as a Variant of Uncertain Significance.

NM_001365536.1(SCN9A):c.5437C>T (p.Leu1813Phe)

Genes: SCN1A-AS1 (SCN1A and SCN9A antisense RNA 1; plus strand), SCN9A (sodium voltage-gated channel alpha subunit 9; minus strand). Cytogenetic location: 2q24.3.
Variant type: single nucleotide variant.
Coding change: c.5437C>T on transcript NM_001365536.1 (MANE Select); coding-DNA position 5437, C replaced by T.
Protein change: p.Leu1813Phe; replaces leucine 1813 with phenylalanine.
Molecular consequence: missense variant.
Genome position (GRCh38, 1-based): chr2:166,199,202, G>A on the plus strand (C>T on the coding strand, the complement: SCN9A is on the minus strand). VCF-style: chr2-166199202-G-A. GRCh37 (hg19) VCF-style: chr2-167055712-G-A.
Other names: c.5404C>T, p.Leu1802Phe (NM_002977.4); short protein forms L1802F, L1813F.
Identifiers: ClinVar variation 573640 (VCV000573640.9), dbSNP rs1558939435, ClinGen allele CA349052834.
Genomic context (GRCh38, chr2:166,199,202, plus strand): 5'-CACTAACCATGGGCAGATCCATGGCAATGAGCTGGACTTTGTTGGGTTTTGCTATGAGAA[G>A]AGGAGGATCCAGGGCAGCTGCAAAATCAGAGAGTTTAGAGAACTCTATAAACTGGGTCGC-3'
Protein context (NP_001352465.1, residues 1803-1823): SDFAAALDPP[Leu1813Phe]LIAKPNKVQL